The following is an entry in ClinVar:

NM_001953.5(TYMP):c.809T>C (p.Leu270Pro)

Gene: TYMP (thymidine phosphorylase; minus strand). Cytogenetic location: 22q13.33.
Variant type: single nucleotide variant.
Coding change: c.809T>C on transcript NM_001953.5 (MANE Select); coding-DNA position 809, T replaced by C.
Protein change: p.Leu270Pro; replaces leucine 270 with proline.
Molecular consequence: missense variant.
Genome position (GRCh38, 1-based): chr22:50,526,695, A>G on the plus strand (T>C on the coding strand, the complement: TYMP is on the minus strand). VCF-style: chr22-50526695-A-G. GRCh37 (hg19) VCF-style: chr22-50965124-A-G.
Other names: c.809T>C, p.Leu270Pro (NM_001113755.3, NM_001113756.3, NM_001257988.1 and 1 more transcripts); short protein forms L270P.
Identifiers: ClinVar variation 1325321 (VCV001325321.10), dbSNP rs1178421926, ClinGen allele CA412199381.

ClinVar aggregate classification (germline): Conflicting classifications of pathogenicity. Review status: criteria provided, conflicting classifications (1 of 4 stars). 3 submissions from 3 submitters: Likely pathogenic (2); Uncertain significance (1). Last evaluated 2026-07-08.

Conditions:
Mitochondrial DNA depletion syndrome 1. Also called: POLIP SYNDROME; POLYNEUROPATHY, OPHTHALMOPLEGIA, LEUKOENCEPHALOPATHY, AND INTESTINAL PSEUDOOBSTRUCTION; Mitochondrial neurogastrointestinal encephalomyopathy syndrome; Mitochondrial Neurogastrointestinal Encephalopathy Disease; MITOCHONDRIAL NEUROGASTROINTESTINAL ENCEPHALOPATHY SYNDROME, TYMP-RELATED; MNGIE, TYMP-RELATED. Identifiers: Orphanet 298, MedGen C4551995, MONDO:0011283, OMIM 603041.

Allele frequency attached by ClinVar (database versions not stated): TOPMed below 0.00001.

Submissions (3):

Myriad Genetics, Inc.
Classification: Uncertain significance for Mitochondrial DNA depletion syndrome 1. Last evaluated: 2026-07-08. Review status: criteria provided, single submitter. Criteria: Myriad Autosomal Dominant, Autosomal Recessive and X-Linked Classification Criteria (2023). Collection method: clinical testing. Allele origin: unknown.
Comment: NM_001953.4(TYMP):c.809T>C(L270P) is a missense variant classified as a variant of uncertain significance in the context of mitochondrial neurogastrointestinal encephalopathy disease. L270P has been observed in a case with relevant disease (PMID: 23685548). Relevant functional assessments of this variant are not available in the literature. L270P has not been observed in referenced population frequency databases. In summary, there is insufficient evidence to classify NM_001953.4(TYMP):c.809T>C(L270P) as pathogenic or benign. Please note: this variant was assessed in the context of healthy population screening.

Labcorp Genetics (formerly Invitae), Labcorp
Classification: Likely pathogenic. Last evaluated: 2023-08-31. Review status: criteria provided, single submitter. Criteria: Invitae Variant Classification Sherloc (09022015). Collection method: clinical testing. Allele origin: germline.
Comment: In summary, the currently available evidence indicates that the variant is pathogenic, but additional data are needed to prove that conclusively. Therefore, this variant has been classified as Likely Pathogenic. Advanced modeling of protein sequence and biophysical properties (such as structural, functional, and spatial information, amino acid conservation, physicochemical variation, residue mobility, and thermodynamic stability) performed at Invitae indicates that this missense variant is expected to disrupt TYMP protein function. ClinVar contains an entry for this variant (Variation ID: 1325321). This missense change has been observed in individual(s) with mitochondrial DNA depletion syndrome (PMID: 23685548). This variant is not present in population databases (gnomAD no frequency). This sequence change replaces leucine, which is neutral and non-polar, with proline, which is neutral and non-polar, at codon 270 of the TYMP protein (p.Leu270Pro).

Revvity Omics, Revvity
Classification: Likely pathogenic for Mitochondrial DNA depletion syndrome 1. Last evaluated: 2021-05-19. Review status: criteria provided, single submitter. Criteria: ACMG Guidelines, 2015. Collection method: clinical testing. Allele origin: germline.

Literature cited by the submitters: PubMed 23685548 (cited by Myriad Genetics, Inc. and Labcorp Genetics (formerly Invitae), Labcorp).